The following is an entry in ClinVar:

ClinVar aggregate classification (germline): Uncertain significance (1 of 4 stars; one submission).

Conditions:
Cystinuria (CSNU). Also called: CYSTINURIA, TYPE I; CYSTINURIA, TYPE II; CYSTINURIA, TYPE III; Cystinuria, non-type I. Identifiers: Orphanet 214, MedGen C0010691, MONDO:0009067, OMIM 220100, HP:0003131.

gnomAD v4.1: 1 of 1,614,024 alleles (0.000062%); highest among the groups gnomAD compares: East Asian, 0.0022%; no homozygotes.

Submission:

Juno Genomics, Hangzhou Juno Genomics, Inc
Classification: Uncertain significance for Cystinuria. Review status: criteria provided, single submitter. Criteria: ACMG Guidelines, 2015. Collection method: clinical testing. Allele origin: germline.
Comment: Absent from controls (or at extremely low frequency if recessive) in Genome Aggregation Database.;Multiple lines of computational evidence support a deleterious effect on the gene or gene product.;For recessive disorders, detected in trans with a pathogenic variant.;Patient's phenotype or family history is highly specific for a disease with a single genetic etiology.

NM_000341.4(SLC3A1):c.789T>A (p.Ser263Arg)

Gene: SLC3A1 (solute carrier family 3 member 1; plus strand). Cytogenetic location: 2p21.
Variant type: single nucleotide variant.
Coding change: c.789T>A on transcript NM_000341.4 (MANE Select); coding-DNA position 789, T replaced by A.
Protein change: p.Ser263Arg; replaces serine 263 with arginine.
Molecular consequence: missense variant.
Genome position (GRCh38, 1-based): chr2:44,286,055, T>A. VCF-style: chr2-44286055-T-A. GRCh37 (hg19) VCF-style: chr2-44513194-T-A.
Other names: short protein forms S263R.
Identifiers: ClinVar variation 5019966 (VCV005019966.2).